The following is an entry in ClinVar:

ClinVar aggregate classification (germline): Uncertain significance (1 of 4 stars; one submission).

Conditions:
Hereditary cancer-predisposing syndrome. Also called: Hereditary Cancer Syndrome; Neoplastic Syndromes, Hereditary; Tumor predisposition; Hereditary neoplastic syndrome. Identifiers: Orphanet 140162, MedGen C0027672, MeSH D009386, MONDO:0015356.

Submission:

Ambry Genetics
Classification: Uncertain significance for Hereditary cancer-predisposing syndrome. Last evaluated: 2025-06-15. Review status: criteria provided, single submitter. Criteria: Ambry Variant Classification Scheme 2023. Collection method: clinical testing. Allele origin: germline.
Comment: The p.D1815Y variant (also known as c.5443G>T), located in coding exon 35 of the ATM gene, results from a G to T substitution at nucleotide position 5443. The aspartic acid at codon 1815 is replaced by tyrosine, an amino acid with highly dissimilar properties. This amino acid position is not well conserved in available vertebrate species. In addition, the in silico prediction for this alteration is inconclusive. Since supporting evidence is limited at this time, the clinical significance of this alteration remains unclear.

NM_000051.4(ATM):c.5443G>T (p.Asp1815Tyr)

Gene: ATM (ATM serine/threonine kinase; plus strand). Cytogenetic location: 11q22.3.
Variant type: single nucleotide variant.
Coding change: c.5443G>T on transcript NM_000051.4 (MANE Select); coding-DNA position 5443, G replaced by T.
Protein change: p.Asp1815Tyr; replaces aspartic acid 1815 with tyrosine.
Molecular consequence: missense variant.
Genome position (GRCh38, 1-based): chr11:108,302,976, G>T. VCF-style: chr11-108302976-G-T. GRCh37 (hg19) VCF-style: chr11-108173703-G-T.
Other names: c.5443G>T, p.Asp1815Tyr (NM_001351834.2); short protein forms D1815Y.
Identifiers: ClinVar variation 1747568 (VCV001747568.3), dbSNP rs933604666, ClinGen allele CA382544176.